The following is an entry in ClinVar:

ClinVar aggregate classification (germline): Pathogenic/Likely pathogenic. Review status: criteria provided, multiple submitters, no conflicts (2 of 4 stars). 3 submissions from 3 submitters: Pathogenic (2); Likely pathogenic (1). Last evaluated 2026-03-11.

Conditions:
Ataxia-telangiectasia syndrome (AT). Also called: LOUIS-BAR SYNDROME; Cerebello-oculocutaneous telangiectasia; Immunodeficiency with ataxia telangiectasia; Ataxia-telangiectasia, complementation group E; Ataxia-telangiectasia, complementation group D; AT, COMPLEMENTATION GROUP C. Identifiers: Orphanet 100, MedGen C0004135, MONDO:0008840, OMIM 208900.
Familial cancer of breast. Also called: BREAST CANCER, FAMILIAL; Hereditary breast cancer; hereditary breast carcinoma. Identifiers: Orphanet 227535, MedGen C0346153, MONDO:0016419, OMIM 114480. Disease mechanism: loss of function.

Submissions (3):

Myriad Genetics, Inc.
Classification: Pathogenic for Familial cancer of breast. Last evaluated: 2026-03-11. Review status: criteria provided, single submitter. Criteria: Myriad Autosomal Dominant, Autosomal Recessive and X-Linked Classification Criteria (2023). Collection method: clinical testing. Allele origin: unknown.
Comment: This variant is considered pathogenic. This variant creates a termination codon and is predicted to result in premature protein truncation.

Labcorp Genetics (formerly Invitae), Labcorp
Classification: Pathogenic for Ataxia-telangiectasia syndrome. Last evaluated: 2024-07-26. Review status: criteria provided, single submitter. Criteria: Invitae Variant Classification Sherloc (09022015). Collection method: clinical testing. Allele origin: germline.
Comment: This sequence change creates a premature translational stop signal (p.Gln2210*) in the ATM gene. It is expected to result in an absent or disrupted protein product. Loss-of-function variants in ATM are known to be pathogenic (PMID: 23807571, 25614872). This variant is not present in population databases (gnomAD no frequency). This variant has not been reported in the literature in individuals affected with ATM-related conditions. Algorithms developed to predict the effect of sequence changes on RNA splicing suggest that this variant may disrupt the consensus splice site. For these reasons, this variant has been classified as Pathogenic.

Baylor Genetics
Classification: Likely pathogenic for Familial cancer of breast. Last evaluated: 2023-12-28. Review status: criteria provided, single submitter. Criteria: ACMG Guidelines, 2015. Collection method: clinical testing. Allele origin: unknown.

Literature cited by the submitters: PubMed 23807571 (cited by Labcorp Genetics (formerly Invitae), Labcorp); PubMed 25614872 (cited by Labcorp Genetics (formerly Invitae), Labcorp).

NM_000051.4(ATM):c.6628C>T (p.Gln2210Ter)

Genes: ATM (ATM serine/threonine kinase; plus strand), C11orf65 (chromosome 11 open reading frame 65; minus strand). Cytogenetic location: 11q22.3.
Variant type: single nucleotide variant.
Coding change: c.6628C>T on transcript NM_000051.4 (MANE Select); coding-DNA position 6628, C replaced by T.
Protein change: p.Gln2210Ter; replaces glutamine 2210 with a stop codon.
Molecular consequence: nonsense. On other transcripts: intron variant (2).
Genome position (GRCh38, 1-based): chr11:108,325,365, C>T. VCF-style: chr11-108325365-C-T. GRCh37 (hg19) VCF-style: chr11-108196092-C-T.
Other names: c.6628C>T, p.Gln2210Ter (NM_001351834.2); c.641-16294G>A (NM_001330368.2); c.*38+9855G>A (NM_001351110.2); short protein forms Q2210*.
Identifiers: ClinVar variation 2679705 (VCV002679705.5), dbSNP rs2136309423, ClinGen allele CA382554767.
Genomic context (GRCh38, chr11:108,325,365, plus strand): 5'-TTCAGATCAGTCACACATAGACAACTCTCTGAAGTATATATTAAGTGGCAGAAACACTCC[C>T]AGCTTCTCAAGGACAGTGATTTTAGTTTTCAGGAGCCTATCATGGCTCTACGCACAGTCA-3'